The following is an entry in ClinVar:

ClinVar aggregate classification (germline): Uncertain significance (1 of 4 stars; one submission).

Conditions:
Cardiovascular phenotype. Identifiers: MedGen CN230736.

Submission:

Ambry Genetics
Classification: Uncertain significance for Cardiovascular phenotype. Last evaluated: 2021-03-23. Review status: criteria provided, single submitter. Criteria: Ambry Variant Classification Scheme 2023. Collection method: clinical testing. Allele origin: germline.
Comment: The p.V623I variant (also known as c.1867G>A), located in coding exon 14 of the DSP gene, results from a G to A substitution at nucleotide position 1867. The valine at codon 623 is replaced by isoleucine, an amino acid with highly similar properties. This amino acid position is well conserved in available vertebrate species; however, isoleucine is the reference amino acid in other vertebrate species. In addition, this alteration is predicted to be tolerated by in silico analysis. Since supporting evidence is limited at this time, the clinical significance of this alteration remains unclear.

NM_004415.4(DSP):c.1867G>A (p.Val623Ile)

Gene: DSP (desmoplakin; plus strand). Cytogenetic location: 6p24.3.
Variant type: single nucleotide variant.
Coding change: c.1867G>A on transcript NM_004415.4 (MANE Select); coding-DNA position 1867, G replaced by A.
Protein change: p.Val623Ile; replaces valine 623 with isoleucine.
Molecular consequence: missense variant.
Genome position (GRCh38, 1-based): chr6:7,571,548, G>A. VCF-style: chr6-7571548-G-A. GRCh37 (hg19) VCF-style: chr6-7571781-G-A.
Other names: c.1867G>A, p.Val623Ile (NM_001008844.3, NM_001319034.2); short protein forms V623I.
Identifiers: ClinVar variation 1781599 (VCV001781599.2), dbSNP rs2533894549, ClinGen allele CA362679647.